The following is an entry in ClinVar:

NM_000051.4(ATM):c.6318_6320dup (p.Asn2106_Met2107insIle)

Genes: ATM (ATM serine/threonine kinase; plus strand), C11orf65 (chromosome 11 open reading frame 65; minus strand). Cytogenetic location: 11q22.3.
Variant type: Duplication.
Coding change: c.6318_6320dup on transcript NM_000051.4 (MANE Select); coding-DNA positions 6318 to 6320, 3 bases duplicated (TAT; older notation c.6318_6320dupTAT).
Protein change: p.Asn2106_Met2107insIle.
Molecular consequence: inframe insertion. On other transcripts: inframe indel (1), intron variant (2).
Genome position (GRCh38, 1-based): chr11:108,317,492-108,317,494, TAT duplicated. VCF-style (leftmost placement, unchanged base first): chr11-108317491-A-ATAT. GRCh37 (hg19) VCF-style: chr11-108188218-A-ATAT.
Other names: c.6318_6320dupTAT (NM_000051.3); c.6318_6320dup, p.Asn2106_Met2107insIle (NM_001351834.2); c.641-8423_641-8421dup (NM_001330368.2); c.*39-8423_*39-8421dup (NM_001351110.2).
Identifiers: ClinVar variation 4825497 (VCV004825497.1).

ClinVar aggregate classification (germline): Uncertain significance (1 of 4 stars; one submission).

Conditions:
Hereditary cancer-predisposing syndrome. Also called: Tumor predisposition; Hereditary neoplastic syndrome; Hereditary Cancer Syndrome; Neoplastic Syndromes, Hereditary. Identifiers: Orphanet 140162, MedGen C0027672, MeSH D009386, MONDO:0015356.

Submission:

Ambry Genetics
Classification: Uncertain significance for Hereditary cancer-predisposing syndrome. Last evaluated: 2026-01-26. Review status: criteria provided, single submitter. Criteria: Ambry Variant Classification Scheme 2023. Collection method: clinical testing. Allele origin: germline.
Comment: The c.6318_6320dupTAT variant (also known as p.N2106_M2107insI), located in coding exon 42 of the ATM gene, results from an in-frame duplication of TAT at nucleotide positions 6318 to 6320. This results in the insertion of an isoleucine between codons 2106 and 2107. This amino acid position is well conserved in available vertebrate species. Based on the available evidence, the clinical significance of this variant remains unclear.